The following is an entry in ClinVar:

ClinVar aggregate classification (germline): Pathogenic/Likely pathogenic. Review status: criteria provided, multiple submitters, no conflicts (2 of 4 stars). 2 submissions from 2 submitters: Pathogenic (1); Likely pathogenic (1). Last evaluated 2024-03-29.

Conditions:
Achondrogenesis, type IB (ACG1B). Also called: Achondrogenesis Type 1B. Identifiers: Orphanet 932, Orphanet 93298, MedGen C0265274, MONDO:0010966, OMIM 600972.
Multiple epiphyseal dysplasia type 4 (EDM4). Also called: Multiple Epiphyseal Dysplasia, Recessive; MULTIPLE EPIPHYSEAL DYSPLASIA WITH BILAYERED PATELLAE; MULTIPLE EPIPHYSEAL DYSPLASIA WITH CLUBFOOT; MULTIPLE EPIPHYSEAL DYSPLASIA, AUTOSOMAL RECESSIVE; SLC26A2-Related Multiple Epiphyseal Dysplasia. Identifiers: Orphanet 93307, MedGen C1847593, MONDO:0009189, OMIM 226900.
Atelosteogenesis type II (AO2). Also called: NEONATAL OSSEOUS DYSPLASIA I; Neonatal osseous dysplasia 1; SLC26A2-Related Atelosteogenesis. Identifiers: Orphanet 56304, MedGen C1850554, MONDO:0009727, OMIM 256050.
Diastrophic dysplasia (DTD). Also called: Diastrophic dwarfism. Identifiers: Orphanet 628, MedGen C0220726, MONDO:0009107, OMIM 222600.

Submissions (2):

Baylor Genetics
Classification: Likely pathogenic for Achondrogenesis, type IB. Last evaluated: 2024-03-29. Review status: criteria provided, single submitter. Criteria: ACMG Guidelines, 2015. Collection method: clinical testing. Allele origin: unknown.

Labcorp Genetics (formerly Invitae), Labcorp
Classification: Pathogenic for Atelosteogenesis type II; Multiple epiphyseal dysplasia type 4; Achondrogenesis, type IB; Diastrophic dysplasia. Last evaluated: 2022-04-08. Review status: criteria provided, single submitter. Criteria: Invitae Variant Classification Sherloc (09022015). Collection method: clinical testing. Allele origin: germline.
Comment: This sequence change creates a premature translational stop signal (p.Leu544Serfs*41) in the SLC26A2 gene. While this is not anticipated to result in nonsense mediated decay, it is expected to disrupt the last 196 amino acid(s) of the SLC26A2 protein. This variant is not present in population databases (gnomAD no frequency). This variant has not been reported in the literature in individuals affected with SLC26A2-related conditions. This variant disrupts a region of the SLC26A2 protein in which other variant(s) (p.Ala715Val) have been determined to be pathogenic (PMID: 21077204). This suggests that this is a clinically significant region of the protein, and that variants that disrupt it are likely to be disease-causing. For these reasons, this variant has been classified as Pathogenic.

Literature cited by the submitters: PubMed 21077204 (cited by Labcorp Genetics (formerly Invitae), Labcorp).

NM_000112.4(SLC26A2):c.1630del (p.Leu544fs)

Gene: SLC26A2 (solute carrier family 26 member 2; plus strand). Cytogenetic location: 5q32.
Variant type: Deletion.
Coding change: c.1630del on transcript NM_000112.4 (MANE Select); coding-DNA position 1630, one base deleted (C; older notation c.1630delC).
Protein change: p.Leu544fs; shifts the reading frame from leucine 544.
Molecular consequence: frameshift variant.
Genome position (GRCh38, 1-based): chr5:149,981,223, C deleted; the last of 2 consecutive C bases (chr5:149,981,222-149,981,223); deleting either gives the same sequence. VCF-style (leftmost placement, unchanged base first): chr5-149981221-TC-T. GRCh37 (hg19) VCF-style: chr5-149360784-TC-T.
Other names: short protein forms L544fs.
Identifiers: ClinVar variation 2040541 (VCV002040541.5), dbSNP rs2480776557, ClinGen allele CA2580073925.